The following is an entry in ClinVar:

ClinVar aggregate classification (germline): Conflicting classifications of pathogenicity. Review status: criteria provided, conflicting classifications (1 of 4 stars). 8 submissions from 8 submitters: Uncertain significance (2); Likely benign (2). 4 of the submissions do not count toward it. Last evaluated 2026-01-26.

Conditions:
AP3D1-related disorder. Also called: AP3D1-related condition.

Submissions (8):

Labcorp Genetics (formerly Invitae), Labcorp
Classification: Uncertain significance. Last evaluated: 2026-01-26. Review status: criteria provided, single submitter. Criteria: Invitae Variant Classification Sherloc (09022015). Collection method: clinical testing. Allele origin: germline.
Comment: This variant, c.2593_2598del, results in the deletion of 2 amino acid(s) of the AP3D1 protein (p.Glu865_Lys866del), but otherwise preserves the integrity of the reading frame. The frequency data for this variant in the population databases is considered unreliable, as metrics indicate poor data quality at this position in the gnomAD database. This variant has not been reported in the literature in individuals affected with AP3D1-related conditions. Experimental studies and prediction algorithms are not available or were not evaluated, and the functional significance of this variant is currently unknown. In summary, the available evidence is currently insufficient to determine the role of this variant in disease. Therefore, it has been classified as a Variant of Uncertain Significance.

Mayo Clinic Laboratories, Mayo Clinic
Classification: Likely benign. Last evaluated: 2024-11-18. Review status: criteria provided, single submitter. Criteria: ACMG Guidelines, 2015. Collection method: clinical testing. Allele origin: germline. Observed: 5 variant alleles.
Comment: BP1, BP3

Blueprint Genetics
Classification: Likely benign. Last evaluated: 2024-10-30. Review status: criteria provided, single submitter. Criteria: ACMG Guidelines, 2015. Collection method: clinical testing. Allele origin: germline.

Breakthrough Genomics
Classification: Uncertain significance. Review status: criteria provided, single submitter. Criteria: ACMG Guidelines, 2015. Collection method: not provided. Allele origin: germline. Inheritance: Autosomal recessive inheritance. Affected: yes.

PreventionGenetics, part of Exact Sciences
Classification: Likely benign for AP3D1-related condition. Last evaluated: 2022-07-19. Review status: no assertion criteria provided. Collection method: clinical testing. Allele origin: germline. Not counted in ClinVar's aggregate classification.
Comment: This variant is classified as likely benign based on ACMG/AMP sequence variant interpretation guidelines (Richards et al. 2015 PMID: 25741868, with internal and published modifications).

Clinical Genetics DNA and cytogenetics Diagnostics Lab, Erasmus MC, Erasmus Medical Center
Classification: Likely benign. Review status: no assertion criteria provided. Collection method: clinical testing. Allele origin: germline. Affected: yes. Study: VKGL Data-share Consensus. Not counted in ClinVar's aggregate classification.

Clinical Genetics, Academic Medical Center
Classification: Likely benign. Review status: no assertion criteria provided. Collection method: clinical testing. Allele origin: germline. Affected: yes. Study: VKGL Data-share Consensus. Not counted in ClinVar's aggregate classification.

Diagnostic Laboratory, Department of Genetics, University Medical Center Groningen
Classification: Likely benign. Review status: no assertion criteria provided. Collection method: clinical testing. Allele origin: germline. Affected: yes. Study: VKGL Data-share Consensus. Not counted in ClinVar's aggregate classification.

NM_001261826.3(AP3D1):c.2587GAGAAG[1] (p.863EK[1])

Gene: AP3D1 (adaptor related protein complex 3 subunit delta 1; minus strand). Cytogenetic location: 19p13.3.
Variant type: Microsatellite.
Coding change: c.2587GAGAAG[1] on transcript NM_001261826.3 (MANE Select); one copy of the 6-base unit GAGAAG starting at c.2587; the reference has two copies in a row; one copy, 6 bases deleted; also written c.2593_2598del.
Protein change: p.863EK[1].
Molecular consequence: inframe deletion.
Genome position (GRCh38, 1-based): chr19:2,114,128-2,114,133, CTTCTC deleted on the plus strand (GAGAAG on the coding strand, the reverse complement: AP3D1 is on the minus strand); deleting any 6 consecutive bases within chr19:2,114,128-2,114,144 gives the same sequence; the position shown is the placement nearest the transcript's 3' end. VCF-style (leftmost placement, unchanged base first): chr19-2114127-TCTTCTC-T. GRCh37 (hg19) VCF-style: chr19-2114126-TCTTCTC-T.
Other names: p.Glu865_Lys866del; c.2593_2598del (NM_001261826.3); c.2587GAGAAG[1], p.863EK[1] (NM_001374799.1, NM_003938.8).
Identifiers: ClinVar variation 1058163 (VCV001058163.15), dbSNP rs756601658, ClinGen allele CA9058802.